The following is an entry in ClinVar:

NM_001190274.2(FBXO11):c.2726C>A (p.Thr909Lys)

Genes: FBXO11 (F-box protein 11; minus strand), MSH6 (mutS homolog 6; plus strand). Cytogenetic location: 2p16.3.
Variant type: single nucleotide variant.
Coding change: c.2726C>A on transcript NM_001190274.2 (MANE Select); coding-DNA position 2726, C replaced by A.
Protein change: p.Thr909Lys; replaces threonine 909 with lysine.
Molecular consequence: missense variant. On other transcripts: intron variant (6).
Genome position (GRCh38, 1-based): chr2:47,808,176, G>T on the plus strand (C>A on the coding strand, the complement: FBXO11 is on the minus strand). VCF-style: chr2-47808176-G-T. GRCh37 (hg19) VCF-style: chr2-48035315-G-T.
Other names: c.2474C>A, p.Thr825Lys (NM_001374325.1, NM_025133.4); c.*43+1273G>T (NM_001406809.1); c.*40+1276G>T (NM_001406796.1, NM_001406811.1, NM_001406805.1 and 2 more transcripts); short protein forms T825K, T909K.
Identifiers: ClinVar variation 4619821 (VCV004619821.2).

ClinVar aggregate classification (germline): Likely pathogenic (1 of 4 stars; one submission).

Conditions:
Inborn genetic diseases. Identifiers: MedGen C0950123, MeSH D030342.

Submission:

Ambry Genetics
Classification: Likely pathogenic for Inborn genetic diseases. Last evaluated: 2025-12-19. Review status: criteria provided, single submitter. Criteria: Ambry Variant Classification Scheme 2023. Collection method: clinical testing. Allele origin: germline.
Comment: The c.2726C>A (p.T909K) alteration is located in exon 23 (coding exon 23) of the FBXO11 gene. This alteration results from a C to A substitution at nucleotide position 2726, causing the threonine (T) at amino acid position 909 to be replaced by a lysine (K). This variant was not reported in population-based cohorts in the Genome Aggregation Database (gnomAD). This amino acid position is highly conserved in available vertebrate species. This missense alteration is located in a region that has a low rate of benign missense variation (Lek, 2016; Firth, 2009). This alteration is predicted to be deleterious by in silico analysis. Based on the available evidence, this alteration is classified as likely pathogenic.